The following is an entry in ClinVar:

ClinVar aggregate classification (germline): Likely benign. Review status: criteria provided, single submitter (1 of 4 stars). 2 submissions from 2 submitters: Likely benign (1). 1 of the submissions does not count toward it. Last evaluated 2025-12-06.

Conditions:
ABCB4-related disorder. Also called: ABCB4-related disorders; ABCB4-related condition.

Allele frequency attached by ClinVar (database versions not stated): gnomAD exomes 0.00001; gnomAD 0.00001; TOPMed 0.00001.
gnomAD v4.1: 11 of 1,613,954 alleles (0.00068%); highest among the groups gnomAD compares: African/African-American, 0.0013%; no homozygotes.

Submissions (2):

Labcorp Genetics (formerly Invitae), Labcorp
Classification: Likely benign. Last evaluated: 2025-12-06. Review status: criteria provided, single submitter. Criteria: Invitae Variant Classification Sherloc (09022015). Collection method: clinical testing. Allele origin: germline.

PreventionGenetics, part of Exact Sciences
Classification: Likely benign for ABCB4-related condition. Last evaluated: 2022-01-28. Review status: no assertion criteria provided. Collection method: clinical testing. Allele origin: germline. Not counted in ClinVar's aggregate classification.
Comment: This variant is classified as likely benign based on ACMG/AMP sequence variant interpretation guidelines (Richards et al. 2015 PMID: 25741868, with internal and published modifications).

NM_000443.4(ABCB4):c.3765G>A (p.Thr1255=)

Gene: ABCB4 (ATP binding cassette subfamily B member 4; minus strand). Cytogenetic location: 7q21.12.
Variant type: single nucleotide variant.
Coding change: c.3765G>A on transcript NM_000443.4 (MANE Select); coding-DNA position 3765, G replaced by A.
Protein change: p.Thr1255=; no amino-acid change (threonine 1255 retained).
Molecular consequence: synonymous variant.
Genome position (GRCh38, 1-based): chr7:87,402,171, C>T on the plus strand (G>A on the coding strand, the complement: ABCB4 is on the minus strand). VCF-style: chr7-87402171-C-T. GRCh37 (hg19) VCF-style: chr7-87031487-C-T.
Other names: c.3765G>A (NM_000443.3); c.3786G>A, p.Thr1262= (NM_018849.3); c.3624G>A, p.Thr1208= (NM_018850.3).
Identifiers: ClinVar variation 3017294 (VCV003017294.5), dbSNP rs1176145576, ClinGen allele CA456356112.